The following is an entry in ClinVar:

ClinVar aggregate classification (germline): Likely pathogenic. Review status: criteria provided, multiple submitters, no conflicts (2 of 4 stars). 2 submissions from 2 submitters: Likely pathogenic (2). Last evaluated 2024-05-17.

Conditions:
Spinocerebellar ataxia type 4. Identifiers: Orphanet 98765, MedGen C0752122, MONDO:0010847, OMIM 600223.
Autosomal recessive cerebellar ataxia-saccadic intrusion syndrome. Also called: SPINOCEREBELLAR ATAXIA 24; VPS13D Movement Disorder. Identifiers: Orphanet 95434, MedGen C1846492, MONDO:0011811, OMIM 607317.

Allele frequency attached by ClinVar (database versions not stated): gnomAD exomes below 0.00001.
gnomAD v4.1: 1 of 1,613,868 alleles (0.000062%); highest among the groups gnomAD compares: Non-Finnish European, 0.000085%; no homozygotes.

Submissions (2):

Broad Center for Mendelian Genomics, Broad Institute of MIT and Harvard
Classification: Likely pathogenic for Spinocerebellar ataxia type 4. Last evaluated: 2024-05-17. Review status: criteria provided, single submitter. Criteria: ACMG Guidelines, 2015. Collection method: curation. Allele origin: germline. Inheritance: Autosomal recessive inheritance.
Comment: Trio exome revealed that this variant was in trans with the other pathogenic variant. This variant has also been reported in one individual with spinocerebellar ataxia 4 (PMID: 35151251), and has been identified in 0.0003% (1/349962) of European (non-Finnish) chromosomes by the Genome Aggregation Database (gnomAD; dbSNP (rs868354311)). Although this variant has been seen in the general population in a heterozygous state, its frequency is not high enough to rule out a pathogenic role. This variant has been reported in ClinVar (Variation ID: 932894) and has been interpreted as likely pathogenic by Laboratoire de Genetique Moleculaire, Centre Hospitalier Universitaire de Bordeaux. Of the 2 affected individuals, both were compound heterozygotes that carried a reported pathogenic/likely pathogenic variants in trans, which increases the likelihood that the p.Ala4139Val variant is pathogenic (PMID: 35151251). In vitro functional studies of patient fibroblasts provide some evidence that the p.Ala4139Val variant may impact protein function (PMID: 35151251). However, these types of assays may not accurately represent biological function. Computational prediction tools and conservation analyses do not provide strong support for or against an impact to the protein. The number of missense variants reported in VPS13D in the general population is lower than expected, suggesting there is little benign variation in this gene and slightly increasing the possibility that a missense variant in this gene may not be tolerated. In summary, although additional studies are required to fully establish its clinical significance, this variant is likely pathogenic for autosomal recessive spinocerebellar ataxia 4. ACMG/AMP Criteria applied: PM3_Strong, PM2_Supporting, PP2, PS3_Moderate (Richards 2015).

Laboratoire de Génétique Moléculaire, CHU Bordeaux
Classification: Likely pathogenic for Autosomal recessive cerebellar ataxia-saccadic intrusion syndrome. Last evaluated: 2020-04-06. Review status: criteria provided, single submitter. Criteria: ACMG Guidelines, 2015. Collection method: clinical testing. Allele origin: paternal. Inheritance: Autosomal recessive inheritance. Affected: yes. Observed: 1 compound heterozygote.
Comment: This variant isa missense variant absent from gnomAD and predicted as deleterious by PolyPhen-2, LRT and Mutation Taster software. It has a CADD-Phred score of 24.9. It was in trans with another pathogenic variant.

Literature cited by the submitters: PubMed 35151251 (cited by Broad Center for Mendelian Genomics, Broad Institute of MIT and Harvard).

NM_015378.4(VPS13D):c.12416C>T (p.Ala4139Val)

Gene: VPS13D (vacuolar protein sorting 13 homolog D; plus strand). Cytogenetic location: 1p36.22.
Variant type: single nucleotide variant.
Coding change: c.12416C>T on transcript NM_015378.4 (MANE Select); coding-DNA position 12416, C replaced by T.
Protein change: p.Ala4139Val; replaces alanine 4139 with valine.
Molecular consequence: missense variant.
Genome position (GRCh38, 1-based): chr1:12,456,080, C>T. VCF-style: chr1-12456080-C-T. GRCh37 (hg19) VCF-style: chr1-12516136-C-T.
Other names: NM_015378.4(VPS13D):c.12416C>T; p.Ala4139Val; c.12341C>T, p.Ala4114Val (NM_018156.4); short protein forms A4114V, A4139V.
Identifiers: ClinVar variation 932894 (VCV000932894.3), dbSNP rs868354311, ClinGen allele CA18069712.